The following is an entry in ClinVar:

ClinVar aggregate classification (germline): Uncertain significance. Review status: criteria provided, multiple submitters, no conflicts (2 of 4 stars). 2 submissions from 2 submitters: Uncertain significance (2). Last evaluated 2023-12-16.

Conditions:
Primary ciliary dyskinesia. Also called: Ciliary dyskinesia. Identifiers: Orphanet 244, MedGen C0008780, MONDO:0016575, HP:0012265.

Allele frequency attached by ClinVar (database versions not stated): gnomAD 0.00001; TOPMed 0.00002.

Submissions (2):

Ambry Genetics
Classification: Uncertain significance for Primary ciliary dyskinesia. Last evaluated: 2023-12-16. Review status: criteria provided, single submitter. Criteria: Ambry Variant Classification Scheme 2023. Collection method: clinical testing. Allele origin: germline.

Labcorp Genetics (formerly Invitae), Labcorp
Classification: Uncertain significance for Primary ciliary dyskinesia. Last evaluated: 2021-09-01. Review status: criteria provided, single submitter. Criteria: Invitae Variant Classification Sherloc (09022015). Collection method: clinical testing. Allele origin: germline.
Comment: This sequence change replaces arginine with glutamine at codon 465 of the RSPH4A protein (p.Arg465Gln). The arginine residue is moderately conserved and there is a small physicochemical difference between arginine and glutamine. This variant is present in population databases (rs777456038, ExAC 0.01%). This variant has not been reported in the literature in individuals affected with RSPH4A-related conditions. Algorithms developed to predict the effect of missense changes on protein structure and function output the following: SIFT: "Tolerated"; PolyPhen-2: "Possibly Damaging"; Align-GVGD: "Class C0". The glutamine amino acid residue is found in multiple mammalian species, which suggests that this missense change does not adversely affect protein function. In summary, the available evidence is currently insufficient to determine the role of this variant in disease. Therefore, it has been classified as a Variant of Uncertain Significance.

NM_001010892.3(RSPH4A):c.1394G>A (p.Arg465Gln)

Gene: RSPH4A (radial spoke head component 4A; plus strand). Cytogenetic location: 6q22.1.
Variant type: single nucleotide variant.
Coding change: c.1394G>A on transcript NM_001010892.3 (MANE Select); coding-DNA position 1394, G replaced by A.
Protein change: p.Arg465Gln; replaces arginine 465 with glutamine.
Molecular consequence: missense variant.
Genome position (GRCh38, 1-based): chr6:116,628,101, G>A. VCF-style: chr6-116628101-G-A. GRCh37 (hg19) VCF-style: chr6-116949264-G-A.
Other names: c.1394G>A, p.Arg465Gln (NM_001161664.2); short protein forms R465Q.
Identifiers: ClinVar variation 1020174 (VCV001020174.8), dbSNP rs777456038, ClinGen allele CA3970940.
Genomic context (GRCh38, chr6:116,628,101, plus strand): 5'-CACCAGTTATACCTGCACAAATTGTTATTGCAAGAAAAATCAAGAAATTTTTCACTGGGC[G>A]ATTGGATGCTCCCATCATAAGCTACCCACCTTTCCCAGGAAATGAGAGTAATTATTTACG-3'
Protein context (NP_001010892.1, residues 455-475): ARKIKKFFTG[Arg465Gln]LDAPIISYPP